The following is an entry in ClinVar:

NM_020778.5(ALPK3):c.5009G>A (p.Ser1670Asn)

Gene: ALPK3 (alpha kinase 3; plus strand). Cytogenetic location: 15q25.3.
Variant type: single nucleotide variant.
Coding change: c.5009G>A on transcript NM_020778.5 (MANE Select); coding-DNA position 5009, G replaced by A.
Protein change: p.Ser1670Asn; replaces serine 1670 with asparagine.
Molecular consequence: missense variant.
Genome position (GRCh38, 1-based): chr15:84,868,347, G>A. VCF-style: chr15-84868347-G-A. GRCh37 (hg19) VCF-style: chr15-85411578-G-A.
Other names: short protein forms S1670N.
Identifiers: ClinVar variation 1748650 (VCV001748650.6), dbSNP rs1327975539, ClinGen allele CA393366188.

ClinVar aggregate classification (germline): Uncertain significance. Review status: criteria provided, multiple submitters, no conflicts (2 of 4 stars). 3 submissions from 3 submitters: Uncertain significance (3). Last evaluated 2025-12-03.

Conditions:
Cardiovascular phenotype. Identifiers: MedGen CN230736.
Cardiomyopathy, familial hypertrophic 27. Identifiers: MedGen C4748014, MONDO:0054838, OMIM 618052.

Allele frequency attached by ClinVar (database versions not stated): gnomAD exomes 0.00003.
gnomAD v4.1: 40 of 1,614,088 alleles (0.0025%); highest among the groups gnomAD compares: Non-Finnish European, 0.0034%; no homozygotes.

Submissions (3):

Labcorp Genetics (formerly Invitae), Labcorp
Classification: Uncertain significance. Last evaluated: 2025-12-03. Review status: criteria provided, single submitter. Criteria: Invitae Variant Classification Sherloc (09022015). Collection method: clinical testing. Allele origin: germline.
Comment: This sequence change replaces serine, which is neutral and polar, with asparagine, which is neutral and polar, at codon 1872 of the ALPK3 protein (p.Ser1872Asn). This variant is present in population databases (no rsID available, gnomAD 0.0009%). This variant has not been reported in the literature in individuals affected with ALPK3-related conditions. ClinVar contains an entry for this variant (Variation ID: 1748650). Invitae Evidence Modeling of protein sequence and biophysical properties (such as structural, functional, and spatial information, amino acid conservation, physicochemical variation, residue mobility, and thermodynamic stability) indicates that this missense variant is not expected to disrupt ALPK3 protein function with a negative predictive value of 80%. In summary, the available evidence is currently insufficient to determine the role of this variant in disease. Therefore, it has been classified as a Variant of Uncertain Significance.

Ambry Genetics
Classification: Uncertain significance for Cardiovascular phenotype. Last evaluated: 2023-10-10. Review status: criteria provided, single submitter. Criteria: Ambry Variant Classification Scheme 2023. Collection method: clinical testing. Allele origin: germline.
Comment: The p.S1872N variant (also known as c.5615G>A), located in coding exon 14 of the ALPK3 gene, results from a G to A substitution at nucleotide position 5615. The serine at codon 1872 is replaced by asparagine, an amino acid with highly similar properties. This amino acid position is conserved. In addition, this alteration is predicted to be tolerated by in silico analysis. Since supporting evidence is limited at this time, the clinical significance of this alteration remains unclear.

Victorian Clinical Genetics Services, Murdoch Childrens Research Institute
Classification: Uncertain significance for Cardiomyopathy, familial hypertrophic 27. Last evaluated: 2021-05-06. Review status: criteria provided, single submitter. Criteria: ACMG Guidelines, 2015. Collection method: clinical testing. Allele origin: germline. Inheritance: Autosomal recessive inheritance. Affected: yes.
Comment: Based on the classification scheme VCGS_Germline_v1.3.4, this variant is classified as VUS-3C. Following criteria are met: 0102 - Loss of function is a known mechanism of disease in this gene and is associated with familial hypertrophic cardiomyopathy 27 (MIM#618052). (I) 0106 - This gene is associated with autosomal recessive disease. (I) 0200 - Variant is predicted to result in a missense amino acid change from serine to asparagine. (I) 0219 - This variant is non-coding in alternative versions of this transcript (NCBI, UCSC). (I) 0251 - This variant is heterozygous. (I) 0304 - Variant is present in gnomAD (v2) <0.01 for a recessive condition (1 heterozygote, 0 homozygotes). (SP) 0503 - Missense variant consistently predicted to be tolerated by multiple in silico tools or not conserved in placental mammals with a minor amino acid change. (SB) 0604 - Variant is not located in an established domain, motif, hotspot or informative constraint region. (I) 0705 - No comparable missense variants have previous evidence for pathogenicity. (I) 0809 - Previous evidence of pathogenicity for this variant is inconclusive. The variant has previously been reported once as a VUS (LOVD). (I) 0905 - No published segregation evidence has been identified for this variant. (I) 1007 - No published functional evidence has been identified for this variant. (I) 1208 - Inheritance information for this variant is not currently available in this individual. (I) Legend: (SP) - Supporting pathogenic, (I) - Information, (SB) - Supporting benign